The following is an entry in ClinVar:

ClinVar aggregate classification (germline): Benign (1 of 4 stars; one submission).

Conditions:
Schnyder crystalline corneal dystrophy (SCCD). Also called: Crystalline corneal dystrophy; Schnyder corneal dystrophy. Identifiers: Orphanet 98967, MedGen C0271287, MONDO:0007374, OMIM 121800.

Allele frequency attached by ClinVar (database versions not stated): 1000 Genomes Project 30x 0.00156; TOPMed 0.00016; gnomAD 0.00019 and 0.00014; 1000 Genomes Project 0.00180.

Submission:

Illumina Laboratory Services, Illumina
Classification: Benign for Schnyder crystalline corneal dystrophy. Last evaluated: 2018-01-13. Review status: criteria provided, single submitter. Criteria: ICSL Variant Classification Criteria 13 December 2019. Collection method: clinical testing. Allele origin: germline.
Comment: This variant was observed in the ICSL laboratory as part of a predisposition screen in an ostensibly healthy population. It had not been previously curated by ICSL or reported in the Human Gene Mutation Database (HGMD: prior to June 1st, 2018), and was therefore a candidate for classification through an automated scoring system. Utilizing variant allele frequency, disease prevalence and penetrance estimates, and inheritance mode, an automated score was calculated to assess if this variant is too frequent to cause the disease. Based on the score and internal cut-off values, a variant classified as benign is not then subjected to further curation. The score for this variant resulted in a classification of benign for this disease.

NM_013319.3(UBIAD1):c.*1671G>A

Gene: UBIAD1 (UbiA prenyltransferase domain containing 1; plus strand). Cytogenetic location: 1p36.22.
Variant type: single nucleotide variant.
Coding change: c.*1671G>A on transcript NM_013319.3 (MANE Select); 1671 bases downstream of the stop codon, G replaced by A.
Molecular consequence: 3 prime UTR variant. On other transcripts: intron variant (2).
Genome position (GRCh38, 1-based): chr1:11,287,802, G>A. VCF-style: chr1-11287802-G-A. GRCh37 (hg19) VCF-style: chr1-11347859-G-A.
Other names: c.618+2070G>A (NM_001330349.2); c.530-7071G>A (NM_001330350.2).
Identifiers: ClinVar variation 291904 (VCV000291904.5), dbSNP rs544393884, ClinGen allele CA10607466.